The following is an entry in ClinVar:

NM_001142864.4(PIEZO1):c.2956T>G (p.Phe986Val)

Genes: HSALR1 (HSP90AB1 associated lncRNA 1; plus strand), PIEZO1 (piezo type mechanosensitive ion channel component 1 (Er blood group); minus strand). Cytogenetic location: 16q24.3.
Variant type: single nucleotide variant.
Coding change: c.2956T>G on transcript NM_001142864.4 (MANE Select); coding-DNA position 2956, T replaced by G.
Protein change: p.Phe986Val; replaces phenylalanine 986 with valine.
Molecular consequence: missense variant.
Genome position (GRCh38, 1-based): chr16:88,732,370, A>C on the plus strand (T>G on the coding strand, the complement: PIEZO1 is on the minus strand). VCF-style: chr16-88732370-A-C. GRCh37 (hg19) VCF-style: chr16-88798778-A-C.
Other names: c.1498T>G, p.Phe500Val (NM_014745.1); short protein forms F500V, F986V.
Identifiers: ClinVar variation 2844508 (VCV002844508.3), dbSNP rs2507898492, ClinGen allele CA397109489.

ClinVar aggregate classification (germline): Uncertain significance (1 of 4 stars; one submission).

Submission:

Labcorp Genetics (formerly Invitae), Labcorp
Classification: Uncertain significance. Last evaluated: 2023-03-09. Review status: criteria provided, single submitter. Criteria: Invitae Variant Classification Sherloc (09022015). Collection method: clinical testing. Allele origin: germline.
Comment: This sequence change replaces phenylalanine, which is neutral and non-polar, with valine, which is neutral and non-polar, at codon 986 of the PIEZO1 protein (p.Phe986Val). In summary, the available evidence is currently insufficient to determine the role of this variant in disease. Therefore, it has been classified as a Variant of Uncertain Significance. Algorithms developed to predict the effect of sequence changes on RNA splicing suggest that this variant may create or strengthen a splice site. Advanced modeling of protein sequence and biophysical properties (such as structural, functional, and spatial information, amino acid conservation, physicochemical variation, residue mobility, and thermodynamic stability) performed at Invitae indicates that this missense variant is expected to disrupt PIEZO1 protein function. This variant has not been reported in the literature in individuals affected with PIEZO1-related conditions. This variant is not present in population databases (gnomAD no frequency).